The following is an entry in ClinVar:

ClinVar aggregate classification (germline): Conflicting classifications of pathogenicity. Review status: criteria provided, conflicting classifications (1 of 4 stars). 3 submissions from 3 submitters: Uncertain significance (2); Likely benign (1). Last evaluated 2025-11-11.

Allele frequency attached by ClinVar (database versions not stated): gnomAD exomes 0.00006; gnomAD 0.00011; ExAC 0.00012; TOPMed 0.00014; ESP Exome Variant Server 0.00015.
gnomAD v4.1: 118 of 1,612,986 alleles (0.0073%); highest among the groups gnomAD compares: East Asian, 0.16%; no homozygotes.

Submissions (3):

Women's Health and Genetics/Laboratory Corporation of America, LabCorp
Classification: Likely benign. Last evaluated: 2025-11-11. Review status: criteria provided, single submitter. Criteria: LabCorp Variant Classification Summary - May 2015. Collection method: clinical testing. Allele origin: germline.
Comment: Variant summary: HPS3 c.2471C>T (p.Ser824Leu) results in a non-conservative amino acid change in the encoded protein sequence. Algorithms developed to predict the effect of missense changes on protein structure and function are either unavailable or do not agree on the potential impact of this missense change. The variant allele was found at a frequency of 8.4e-05 in 250578 control chromosomes, predominantly at a frequency of 0.00093 within the East Asian subpopulation in the gnomAD database. The observed variant frequency within East Asian control individuals in the gnomAD database exceeds the estimated maximal expected allele frequency for disease-causing variants in HPS3. To our knowledge, no occurrence of c.2471C>T in individuals affected with HPS3-related conditions and no experimental evidence demonstrating its impact on protein function have been reported. ClinVar contains an entry for this variant (Variation ID: 2064235). Based on the evidence outlined above, the variant was classified as likely benign.

Blueprint Genetics
Classification: Uncertain significance. Last evaluated: 2024-09-18. Review status: criteria provided, single submitter. Criteria: ACMG Guidelines, 2015. Collection method: clinical testing. Allele origin: germline.

Labcorp Genetics (formerly Invitae), Labcorp
Classification: Uncertain significance. Last evaluated: 2022-04-04. Review status: criteria provided, single submitter. Criteria: Invitae Variant Classification Sherloc (09022015). Collection method: clinical testing. Allele origin: germline.
Comment: This sequence change replaces serine, which is neutral and polar, with leucine, which is neutral and non-polar, at codon 824 of the HPS3 protein (p.Ser824Leu). This variant is present in population databases (rs373037058, gnomAD 0.1%). This variant has not been reported in the literature in individuals affected with HPS3-related conditions. Algorithms developed to predict the effect of missense changes on protein structure and function are either unavailable or do not agree on the potential impact of this missense change (SIFT: "Deleterious"; PolyPhen-2: "Probably Damaging"; Align-GVGD: "Class C0"). In summary, the available evidence is currently insufficient to determine the role of this variant in disease. Therefore, it has been classified as a Variant of Uncertain Significance.

Literature cited by the submitters: PubMed 31562900 (cited by Women's Health and Genetics/Laboratory Corporation of America, LabCorp).

NM_032383.5(HPS3):c.2471C>T (p.Ser824Leu)

Genes: CP (ceruloplasmin; minus strand), HPS3 (HPS3 biogenesis of lysosomal organelles complex 2 subunit 1; plus strand). Cytogenetic location: 3q24.
Variant type: single nucleotide variant.
Coding change: c.2471C>T on transcript NM_032383.5 (MANE Select); coding-DNA position 2471, C replaced by T.
Protein change: p.Ser824Leu; replaces serine 824 with leucine.
Molecular consequence: missense variant. On other transcripts: non-coding transcript variant (1).
Genome position (GRCh38, 1-based): chr3:149,162,868, C>T. VCF-style: chr3-149162868-C-T. GRCh37 (hg19) VCF-style: chr3-148880655-C-T.
Other names: c.1976C>T, p.Ser659Leu (NM_001308258.2); short protein forms S659L, S824L.
Identifiers: ClinVar variation 2064235 (VCV002064235.3), dbSNP rs373037058, ClinGen allele CA2660354.
Genomic context (GRCh38, chr3:149,162,868, plus strand): 5'-CACAGTACATCTGGAGATTGTCTAAGAGGCAGCCTCCTGACACCACACCATTGCGAACAT[C>T]GGAGGATCTGGTAAGATAATGGAATAATACCTTAAATTTAACTCATGCATTGCCCATTAC-3'
Protein context (NP_115759.2, residues 814-834): QPPDTTPLRT[Ser824Leu]EDLINACSHY